The following is an entry in ClinVar:

NM_000219.6(KCNE1):c.193T>G (p.Tyr65Asp)

Gene: KCNE1 (potassium voltage-gated channel subfamily E regulatory subunit 1; minus strand). Cytogenetic location: 21q22.12.
Variant type: single nucleotide variant.
Coding change: c.193T>G on transcript NM_000219.6 (MANE Select); coding-DNA position 193, T replaced by G.
Protein change: p.Tyr65Asp; replaces tyrosine 65 with aspartic acid.
Molecular consequence: missense variant.
Genome position (GRCh38, 1-based): chr21:34,449,442, A>C on the plus strand (T>G on the coding strand, the complement: KCNE1 is on the minus strand). VCF-style: chr21-34449442-A-C. GRCh37 (hg19) VCF-style: chr21-35821740-A-C.
Other names: c.193T>G, p.Tyr65Asp (NM_001127668.4, NM_001127669.4, NM_001127670.4 and 4 more transcripts); short protein forms Y65D.
Identifiers: ClinVar variation 3374295 (VCV003374295.2).
Genomic context (GRCh38, chr21:34,449,442, plus strand): 5'-CGGACTCGATGTAGACGTTGAATGGGTCGTTCGAGTGCTCCAGCTTCTTGGAGCGGATGT[A>C]GCTCAGCATGATGCCCAGGGTGAAGAAGCCGAAGAATCCCAGTACCATGAGGACGTAGAG-3'
Protein context (NP_000210.2, residues 55-75): GFFTLGIMLS[Tyr65Asp]IRSKKLEHSN

Conditions:
Long QT syndrome 5 (LQT5). Identifiers: Orphanet 101016, Orphanet 768, MedGen C1867904, MONDO:0013372, OMIM 613695.

Submission:

Roden Lab, Vanderbilt University Medical Center
No classification provided (evidence only). Condition: Long QT syndrome 5. Review status: no classification provided. Collection method: in vitro. Allele origin: not applicable. Functional consequence: Effect on ion channel function.
ClinVar note: "not provided" was previously submitted as the classification for the variant. However, the classification appeared to be based only on an observation of functional data so it was converted to no classification on 2025-07-30.